The following is an entry in ClinVar:

ClinVar aggregate classification (germline): Uncertain significance (1 of 4 stars; one submission).

Conditions:
Pulmonary hypertension, primary, 1 (PPH1). Also called: Pulmonary hypertension, familial primary, 1, with or without HHT. Identifiers: Orphanet 422, MedGen C4552070, MONDO:0024533, OMIM 178600.

Submission:

3billion
Classification: Uncertain significance for Pulmonary hypertension, primary, 1. Last evaluated: 2026-01-15. Review status: criteria provided, single submitter. Criteria: ACMG Guidelines, 2015. Collection method: clinical testing. Allele origin: germline. Affected: yes.
Comment: The variant is not observed in the gnomAD v4.1.0 dataset. Predicted Consequence/Location: Missense variant. The majority of the known disease-causing variants of this gene are variants expected to result in premature termination of the protein. In silico tool predictions suggest damaging effect of the variant on gene or gene product [REVEL: 0.95 (>=0.6, sensitivity 0.68 and specificity 0.92)]. Different missense changes at the same codon (p.Cys60Arg, p.Cys60Gly, p.Cys60Tyr) have been reported to be associated with BMPR2-related disorder (ClinVar ID: VCV000425710, VCV000425711, VCV000425712 /PMID: 11015450, 21737554, 26387786). However the evidence of pathogenicity is insufficient at this time. Therefore, this variant is classified as VUS according to the recommendation of ACMG/AMP guideline.

Literature cited by the submitters: PubMed 11015450.

NM_001204.7(BMPR2):c.178T>A (p.Cys60Ser)

Gene: BMPR2 (bone morphogenetic protein receptor type 2; plus strand). Cytogenetic location: 2q33.1.
Variant type: single nucleotide variant.
Coding change: c.178T>A on transcript NM_001204.7 (MANE Select); coding-DNA position 178, T replaced by A.
Protein change: p.Cys60Ser; replaces cysteine 60 with serine.
Molecular consequence: missense variant.
Genome position (GRCh38, 1-based): chr2:202,464,910, T>A. VCF-style: chr2-202464910-T-A. GRCh37 (hg19) VCF-style: chr2-203329633-T-A.
Other names: short protein forms C60S.
Identifiers: ClinVar variation 4856277 (VCV004856277.1).
Genomic context (GRCh38, chr2:202,464,910, plus strand): 5'-TATCAGCAAGACCTTGGGATAGGTGAGAGTAGAATCTCTCATGAAAATGGGACAATATTA[T>A]GCTCGAAAGGTAGCACCTGCTATGGCCTTTGGGAGAAATCAAAAGGGGACATAAATCTTG-3'
Protein context (NP_001195.2, residues 50-70): RISHENGTIL[Cys60Ser]SKGSTCYGLW